The following is an entry in ClinVar:

NM_001042492.3(NF1):c.6833dup (p.Cys2278fs)

Gene: NF1 (neurofibromin 1; plus strand). Cytogenetic location: 17q11.2.
Variant type: Duplication.
Coding change: c.6833dup on transcript NM_001042492.3 (MANE Select); coding-DNA position 6833, one base duplicated (G; older notation c.6833dupG).
Protein change: p.Cys2278fs; shifts the reading frame from cysteine 2278.
Molecular consequence: frameshift variant.
Genome position (GRCh38, 1-based): chr17:31,338,717, G duplicated. VCF-style (leftmost placement, unchanged base first): chr17-31338716-T-TG. GRCh37 (hg19) VCF-style: chr17-29665734-T-TG.
Other names: c.6770dupG (NM_000267.3); c.6770dup, p.Cys2257Trpfs (NM_000267.4); short protein forms C2278fs, C2257fs.
Identifiers: ClinVar variation 547683 (VCV000547683.8), dbSNP rs1555535027, ClinGen allele CA658824588.
Genomic context (GRCh38, chr17:31,338,716, plus strand): 5'-TGTTTTATTTCAATGAAAGTAAAATAAAAAATTCTGTTTTCCTAAAAGGCACTTGAGAGT[T>TG]GCTTAAAAGGACCTGACACTTACAACAGTCAAGTTCTGATAGAAGCTACAGTAATAGCAC-3'

ClinVar aggregate classification (germline): Pathogenic/Likely pathogenic. Review status: criteria provided, multiple submitters, no conflicts (2 of 4 stars). 4 submissions from 4 submitters: Pathogenic (1); Likely pathogenic (3). Last evaluated 2023-12-10.

Conditions:
Neurofibromatosis, type 1 (NF1). Also called: NEUROFIBROMATOSIS, TYPE I, SOMATIC; VON RECKLINGHAUSEN DISEASE; Peripheral type neurofibromatosis; Neurofibromatosis, type I. Identifiers: Orphanet 636, MedGen C0027831, MONDO:0018975, OMIM 162200. Disease mechanism: loss of function.

Submissions (4):

Labcorp Genetics (formerly Invitae), Labcorp
Classification: Pathogenic for Neurofibromatosis, type 1. Last evaluated: 2023-12-10. Review status: criteria provided, single submitter. Criteria: Invitae Variant Classification Sherloc (09022015). Collection method: clinical testing. Allele origin: germline.
Comment: This sequence change creates a premature translational stop signal (p.Cys2257Trpfs*6) in the NF1 gene. It is expected to result in an absent or disrupted protein product. Loss-of-function variants in NF1 are known to be pathogenic (PMID: 10712197, 23913538). This variant is not present in population databases (gnomAD no frequency). This premature translational stop signal has been observed in individual(s) with neurofibromatosis, type 1 (PMID: 31766501). ClinVar contains an entry for this variant (Variation ID: 547683). For these reasons, this variant has been classified as Pathogenic.

Genome-Nilou Lab
Classification: Likely pathogenic for Neurofibromatosis, type 1. Last evaluated: 2022-03-15. Review status: criteria provided, single submitter. Criteria: ACMG Guidelines, 2015. Collection method: clinical testing. Allele origin: germline. Affected: no.

Genome Diagnostics Laboratory, The Hospital for Sick Children
Classification: Likely pathogenic for Neurofibromatosis, type 1. Last evaluated: 2020-10-26. Review status: criteria provided, single submitter. Criteria: ACMG Guidelines, 2015. Collection method: clinical testing. Allele origin: germline. Affected: yes.

Center for Human Genetics, Inc
Classification: Likely pathogenic for Neurofibromatosis, type 1. Last evaluated: 2016-11-01. Review status: criteria provided, single submitter. Criteria: ACMG Guidelines, 2015. Collection method: clinical testing. Allele origin: germline. Affected: yes.

Literature cited by the submitters: PubMed 10712197 (cited by Labcorp Genetics (formerly Invitae), Labcorp); PubMed 23913538 (cited by Labcorp Genetics (formerly Invitae), Labcorp); PubMed 31766501 (cited by Labcorp Genetics (formerly Invitae), Labcorp).